The following is an entry in ClinVar:

NM_006237.4(POU4F1):c.1136G>A (p.Arg379Gln)

Genes: OBI1-AS1 (OBI1 antisense RNA 1; plus strand), POU4F1 (POU class 4 homeobox 1; minus strand). Cytogenetic location: 13q31.1.
Variant type: single nucleotide variant.
Coding change: c.1136G>A on transcript NM_006237.4 (MANE Select); coding-DNA position 1136, G replaced by A.
Protein change: p.Arg379Gln; replaces arginine 379 with glutamine.
Molecular consequence: missense variant.
Genome position (GRCh38, 1-based): chr13:78,601,539, C>T on the plus strand (G>A on the coding strand, the complement: POU4F1 is on the minus strand). VCF-style: chr13-78601539-C-T. GRCh37 (hg19) VCF-style: chr13-79175674-C-T.
Other names: short protein forms R379Q.
Identifiers: ClinVar variation 4085864 (VCV004085864.8).

ClinVar aggregate classification (germline): Uncertain significance (1 of 4 stars; one submission).

Submission:

CeGaT Center for Human Genetics Tuebingen
Classification: Uncertain significance. Last evaluated: 2025-08-01. Review status: criteria provided, single submitter. Criteria: CeGaT Center For Human Genetics Tuebingen Variant Classification Criteria Version 2. Collection method: clinical testing. Allele origin: germline. Affected: yes. Observed: 1 variant allele.
Comment: POU4F1: PM2, PP2, PP3, PS2:Supporting